The following is an entry in ClinVar:

NM_014491.4(FOXP2):c.231G>T (p.Lys77Asn)

Gene: FOXP2 (forkhead box P2; plus strand). Cytogenetic location: 7q31.1.
Variant type: single nucleotide variant.
Coding change: c.231G>T on transcript NM_014491.4 (MANE Select); coding-DNA position 231, G replaced by T.
Protein change: p.Lys77Asn; replaces lysine 77 with asparagine.
Molecular consequence: missense variant. On other transcripts: non-coding transcript variant (2).
Genome position (GRCh38, 1-based): chr7:114,534,679, G>T. VCF-style: chr7-114534679-G-T. GRCh37 (hg19) VCF-style: chr7-114174734-G-T.
Other names: c.231G>T, p.Lys77Asn (NM_001172766.3, NM_001172767.2, NM_148898.4 and 2 more transcripts); short protein forms K77N.
Identifiers: ClinVar variation 3902433 (VCV003902433.1).

ClinVar aggregate classification (germline): Uncertain significance (1 of 4 stars; one submission).

Submission:

Women's Health and Genetics/Laboratory Corporation of America, LabCorp
Classification: Uncertain significance. Last evaluated: 2025-05-07. Review status: criteria provided, single submitter. Criteria: LabCorp Variant Classification Summary - May 2015. Collection method: clinical testing. Allele origin: germline.
Comment: Variant summary: FOXP2 c.231G>T (p.Lys77Asn) results in a non-conservative amino acid change in the encoded protein sequence. Algorithms developed to predict the effect of missense changes on protein structure and function are either unavailable or do not agree on the potential impact of this missense change. The variant was absent in 250804 control chromosomes. The available data on variant occurrences in the general population are insufficient to allow any conclusion about variant significance. To our knowledge, no occurrence of c.231G>T in individuals affected with Speech-Language Disorder 1 and no experimental evidence demonstrating its impact on protein function have been reported. No submitters have cited clinical-significance assessments for this variant to ClinVar. Based on the evidence outlined above, the variant was classified as uncertain significance.